The following is an entry in ClinVar:

ClinVar aggregate classification (germline): Uncertain significance (1 of 4 stars; one submission).

Conditions:
Baller-Gerold syndrome (BGS). Also called: CRANIOSYNOSTOSIS WITH RADIAL DEFECTS. Identifiers: Orphanet 1225, MedGen C0265308, MONDO:0009039, OMIM 218600.

gnomAD v4.1: 6 of 1,612,706 alleles (0.00037%); highest among the groups gnomAD compares: Non-Finnish European, 0.00051%; no homozygotes.

Submission:

Labcorp Genetics (formerly Invitae), Labcorp
Classification: Uncertain significance for Baller-Gerold syndrome. Last evaluated: 2023-03-14. Review status: criteria provided, single submitter. Criteria: Invitae Variant Classification Sherloc (09022015). Collection method: clinical testing. Allele origin: germline.
Comment: In summary, the available evidence is currently insufficient to determine the role of this variant in disease. Therefore, it has been classified as a Variant of Uncertain Significance. This sequence change falls in intron 5 of the RECQL4 gene. It does not directly change the encoded amino acid sequence of the RECQL4 protein. This variant is not present in population databases (gnomAD no frequency). This variant has not been reported in the literature in individuals affected with RECQL4-related conditions. Algorithms developed to predict the effect of sequence changes on RNA splicing suggest that this variant may create or strengthen a splice site.

NM_004260.4(RECQL4):c.1132-11G>C

Gene: RECQL4 (RecQ like helicase 4; minus strand). Cytogenetic location: 8q24.3.
Variant type: single nucleotide variant.
Coding change: c.1132-11G>C on transcript NM_004260.4 (MANE Select); 11 bases into the intron before coding-DNA position 1132, G replaced by C.
Molecular consequence: intron variant.
Genome position (GRCh38, 1-based): chr8:144,515,901, C>G on the plus strand (G>C on the coding strand, the complement: RECQL4 is on the minus strand). VCF-style: chr8-144515901-C-G. GRCh37 (hg19) VCF-style: chr8-145741285-C-G.
Other names: c.1003-11G>C (NM_001413025.1); c.781-11G>C (NM_001413029.1); c.-2-11G>C (NM_001413032.1, NM_001413027.1, NM_001413031.1 and 2 more transcripts); c.61-11G>C (NM_001413035.1, NM_001413040.1, NM_001413021.1 and 8 more transcripts); c.1036-11G>C (NM_001413017.1, NM_001413020.1); c.1132-11G>C (NM_001413039.1, NM_001413033.1, NM_001413018.1 and 2 more transcripts); c.-210+87G>C (NM_001413043.1).
Identifiers: ClinVar variation 2986807 (VCV002986807.3), dbSNP rs2130714042, ClinGen allele CA2689125929.